The following is an entry in ClinVar:

NM_025009.5(CEP135):c.1994A>G (p.Glu665Gly)

Gene: CEP135 (centrosomal protein 135; plus strand). Cytogenetic location: 4q12.
Variant type: single nucleotide variant.
Coding change: c.1994A>G on transcript NM_025009.5 (MANE Select); coding-DNA position 1994, A replaced by G.
Protein change: p.Glu665Gly; replaces glutamic acid 665 with glycine.
Molecular consequence: missense variant.
Genome position (GRCh38, 1-based): chr4:55,992,070, A>G. VCF-style: chr4-55992070-A-G. GRCh37 (hg19) VCF-style: chr4-56858236-A-G.
Other names: short protein forms E665G.
Identifiers: ClinVar variation 1383099 (VCV001383099.6), dbSNP rs1185723477, ClinGen allele CA356995201.

ClinVar aggregate classification (germline): Uncertain significance (1 of 4 stars; one submission).

Allele frequency attached by ClinVar (database versions not stated): gnomAD exomes below 0.00001.
gnomAD v4.1: 1 of 1,597,198 alleles (0.000063%); highest among the groups gnomAD compares: Admixed American, 0.0018%; no homozygotes.

Submission:

Labcorp Genetics (formerly Invitae), Labcorp
Classification: Uncertain significance. Last evaluated: 2022-07-26. Review status: criteria provided, single submitter. Criteria: Invitae Variant Classification Sherloc (09022015). Collection method: clinical testing. Allele origin: germline.
Comment: This variant has not been reported in the literature in individuals affected with CEP135-related conditions. This sequence change replaces glutamic acid, which is acidic and polar, with glycine, which is neutral and non-polar, at codon 665 of the CEP135 protein (p.Glu665Gly). The frequency data for this variant in the population databases is considered unreliable, as metrics indicate poor data quality at this position in the gnomAD database. ClinVar contains an entry for this variant (Variation ID: 1383099). Algorithms developed to predict the effect of missense changes on protein structure and function are either unavailable or do not agree on the potential impact of this missense change (SIFT: "Deleterious"; PolyPhen-2: "Possibly Damaging"; Align-GVGD: "Class C0"). In summary, the available evidence is currently insufficient to determine the role of this variant in disease. Therefore, it has been classified as a Variant of Uncertain Significance.